The following is an entry in ClinVar:

ClinVar aggregate classification (germline): Uncertain significance (1 of 4 stars; one submission).

Conditions:
ACAN-related disorder. Also called: ACAN-related disorders; ACAN-related condition.

Allele frequency attached by ClinVar (database versions not stated): TOPMed below 0.00001.

Submission:

PreventionGenetics, part of Exact Sciences
Classification: Uncertain significance for ACAN-related condition. Last evaluated: 2023-05-08. Review status: criteria provided, single submitter. Criteria: ACMG Guidelines, 2015. Collection method: clinical testing. Allele origin: germline.
Comment: The ACAN c.7513G>A variant is predicted to result in the amino acid substitution p.Asp2505Asn. To our knowledge, this variant has not been reported in the literature or in a large population database, indicating this variant is rare. At this time, the clinical significance of this variant is uncertain due to the absence of conclusive functional and genetic evidence.

NM_001369268.1(ACAN):c.7627G>A (p.Asp2543Asn)

Gene: ACAN (aggrecan; plus strand). Cytogenetic location: 15q26.1.
Variant type: single nucleotide variant.
Coding change: c.7627G>A on transcript NM_001369268.1 (MANE Select); coding-DNA position 7627, G replaced by A.
Protein change: p.Asp2543Asn; replaces aspartic acid 2543 with asparagine.
Molecular consequence: missense variant. On other transcripts: intron variant (1).
Genome position (GRCh38, 1-based): chr15:88,874,021, G>A. VCF-style: chr15-88874021-G-A. GRCh37 (hg19) VCF-style: chr15-89417252-G-A.
Other names: c.7399G>A, p.Asp2467Asn (NM_001411096.1); c.7513G>A, p.Asp2505Asn (NM_001411097.1, NM_013227.4); c.7220-384G>A (NM_001135.4); short protein forms D2467N, D2505N, D2543N.
Identifiers: ClinVar variation 2635341 (VCV002635341.1), dbSNP rs1366599837, ClinGen allele CA393731465.